The following is an entry in ClinVar:

NM_213622.4(STAMBP):c.230A>G (p.His77Arg)

Gene: STAMBP (STAM binding protein; plus strand). Cytogenetic location: 2p13.1.
Variant type: single nucleotide variant.
Coding change: c.230A>G on transcript NM_213622.4 (MANE Select); coding-DNA position 230, A replaced by G.
Protein change: p.His77Arg; replaces histidine 77 with arginine.
Molecular consequence: missense variant. On other transcripts: 5 prime UTR variant (6), non-coding transcript variant (4).
Genome position (GRCh38, 1-based): chr2:73,844,839, A>G. VCF-style: chr2-73844839-A-G. GRCh37 (hg19) VCF-style: chr2-74071966-A-G.
Other names: c.230A>G, p.His77Arg (NM_001353967.2, NM_001353968.2, NM_001353969.2 and 3 more transcripts); c.-324A>G (NM_001353971.2, NM_001353973.2, NM_001353974.2 and 2 more transcripts); c.-176A>G (NM_001353972.2); short protein forms H77R.
Identifiers: ClinVar variation 424125 (VCV000424125.3), dbSNP rs150593655, ClinGen allele CA1717476.

ClinVar aggregate classification (germline): Likely pathogenic. Review status: criteria provided, multiple submitters, no conflicts (2 of 4 stars). 2 submissions from 2 submitters: Likely pathogenic (2). Last evaluated 2022-11-15.

Conditions:
STAMBP-related disorder. Also called: STAMBP-related condition.

Allele frequency attached by ClinVar (database versions not stated): ExAC 0.00001; gnomAD exomes 0.00001 and 0.00002; gnomAD 0.00002; TOPMed 0.00002; ESP Exome Variant Server 0.00008.
gnomAD v4.1: 27 of 1,613,974 alleles (0.0017%); highest among the groups gnomAD compares: Non-Finnish European, 0.0021%; no homozygotes.

Submissions (2):

PreventionGenetics, part of Exact Sciences
Classification: Likely pathogenic for STAMBP-related condition. Last evaluated: 2022-11-15. Review status: criteria provided, single submitter. Criteria: ACMG Guidelines, 2015. Collection method: clinical testing. Allele origin: germline.
Comment: The STAMBP c.230A>G variant is predicted to result in the amino acid substitution p.His77Arg. This variant has been reported in the homozygous or compound heterozygous state in individuals with microcephaly-capillary malformation syndrome (Table S4, Fitzgerald et al. 2015. PubMed ID: 25533962; Postma et al. 2022. PubMed ID: 35962715). This variant is reported in 0.0040% of alleles in individuals of African descent in gnomAD. This variant is interpreted as likely pathogenic.

GeneDx
Classification: Likely pathogenic. Last evaluated: 2017-03-10. Review status: criteria provided, single submitter. Criteria: GeneDx Variant Classification (06012015). Collection method: clinical testing. Allele origin: germline. Affected: yes.
Comment: The H77R variant in the STAMBP gene has been reported previously in the compound heterozygous state with another missense pathogenic variant in an individual with seizures, global developmental delay, visual impairment, and microcephaly (Fitzgerald et al., 2015). This variant is not observed at a significant frequency in large population cohorts (Lek et al., 2016; 1000 Genomes Consortium et al., 2015; Exome Variant Server). The H77R variant is a conservative amino acid substitution, which is not likely to impact secondary protein structure as these residues share similar properties. However, this substitution occurs at a position that is conserved across species, and in silico analysis predicts this variant is probably damaging to the protein structure/function. The H77R variant is a strong candidate for a pathogenic variant, however the possibility it may be a rare benign variant cannot be excluded.